The following is an entry in ClinVar:

ClinVar aggregate classification (germline): Likely pathogenic (1 of 4 stars; one submission).

Submission:

Labcorp Genetics (formerly Invitae), Labcorp
Classification: Likely pathogenic. Last evaluated: 2023-09-05. Review status: criteria provided, single submitter. Criteria: Invitae Variant Classification Sherloc (09022015). Collection method: clinical testing. Allele origin: germline.
Comment: This variant has not been reported in the literature in individuals affected with TONSL-related conditions. This variant is not present in population databases (gnomAD no frequency). This sequence change affects a donor splice site in intron 2 of the TONSL gene. It is expected to disrupt RNA splicing. Variants that disrupt the donor or acceptor splice site typically lead to a loss of protein function (PMID: 16199547), and loss-of-function variants in TONSL are known to be pathogenic (PMID: 30773277). In summary, the currently available evidence indicates that the variant is pathogenic, but additional data are needed to prove that conclusively. Therefore, this variant has been classified as Likely Pathogenic. Algorithms developed to predict the effect of sequence changes on RNA splicing suggest that this variant may disrupt the consensus splice site.

Literature cited by the submitters: PubMed 16199547; PubMed 30773277.

NM_013432.5(TONSL):c.121+1G>A

Genes: TONSL (tonsoku like, DNA repair protein; minus strand), LOC130001399 (ATAC-STARR-seq lymphoblastoid silent region 19685; plus strand). Cytogenetic location: 8q24.3.
Variant type: single nucleotide variant.
Coding change: c.121+1G>A on transcript NM_013432.5 (MANE Select); the canonical splice donor site of the intron after coding-DNA position 121, G replaced by A.
Molecular consequence: splice donor variant.
Genome position (GRCh38, 1-based): chr8:144,444,179, C>T on the plus strand (G>A on the coding strand, the complement: TONSL is on the minus strand). VCF-style: chr8-144444179-C-T. GRCh37 (hg19) VCF-style: chr8-145669562-C-T.
Identifiers: ClinVar variation 2758310 (VCV002758310.3), dbSNP rs2537511560, ClinGen allele CA372679766.